The following is an entry in ClinVar:

NM_001378454.1(ALMS1):c.7445A>G (p.His2482Arg)

Gene: ALMS1 (ALMS1 centrosome and basal body associated protein; plus strand). Cytogenetic location: 2p13.1.
Variant type: single nucleotide variant.
Coding change: c.7445A>G on transcript NM_001378454.1 (MANE Select); coding-DNA position 7445, A replaced by G.
Protein change: p.His2482Arg; replaces histidine 2482 with arginine.
Molecular consequence: missense variant.
Genome position (GRCh38, 1-based): chr2:73,453,972, A>G. VCF-style: chr2-73453972-A-G. GRCh37 (hg19) VCF-style: chr2-73681099-A-G.
Other names: c.7448A>G, p.His2483Arg (NM_015120.4); short protein forms H2482R, H2483R.
Identifiers: ClinVar variation 936116 (VCV000936116.11), dbSNP rs199698329, ClinGen allele CA1714234.

ClinVar aggregate classification (germline): Uncertain significance. Review status: criteria provided, multiple submitters, no conflicts (2 of 4 stars). 5 submissions from 5 submitters: Uncertain significance (4). 1 of the submissions does not count toward it. Last evaluated 2024-09-10.

Conditions:
Cardiovascular phenotype. Identifiers: MedGen CN230736.
Alstrom syndrome (ALMS). Identifiers: Orphanet 64, MedGen C0268425, MONDO:0008763, OMIM 203800.

Allele frequency attached by ClinVar (database versions not stated): gnomAD exomes below 0.00001; ExAC 0.00001; TOPMed 0.00002; gnomAD 0.00003 and 0.00004.
gnomAD v4.1: 19 of 1,613,648 alleles (0.0012%); highest among the groups gnomAD compares: Middle Eastern, 0.016%; no homozygotes.

Submissions (5):

Blueprint Genetics
Classification: Uncertain significance. Last evaluated: 2024-09-10. Review status: criteria provided, single submitter. Criteria: ACMG Guidelines, 2015. Collection method: clinical testing. Allele origin: germline.

Labcorp Genetics (formerly Invitae), Labcorp
Classification: Uncertain significance for Alstrom syndrome. Last evaluated: 2022-03-21. Review status: criteria provided, single submitter. Criteria: Invitae Variant Classification Sherloc (09022015). Collection method: clinical testing. Allele origin: germline.
Comment: This sequence change replaces histidine, which is basic and polar, with arginine, which is basic and polar, at codon 2483 of the ALMS1 protein (p.His2483Arg). This variant is present in population databases (rs199698329, gnomAD 0.008%). This variant has not been reported in the literature in individuals affected with ALMS1-related conditions. ClinVar contains an entry for this variant (Variation ID: 936116). Algorithms developed to predict the effect of missense changes on protein structure and function output the following: SIFT: "Not Available"; PolyPhen-2: "Not Available"; Align-GVGD: "Not Available". The arginine amino acid residue is found in multiple mammalian species, which suggests that this missense change does not adversely affect protein function. In summary, the available evidence is currently insufficient to determine the role of this variant in disease. Therefore, it has been classified as a Variant of Uncertain Significance.

Fulgent Genetics
Classification: Uncertain significance for Alstrom syndrome. Last evaluated: 2021-07-12. Review status: criteria provided, single submitter. Criteria: ACMG Guidelines, 2015. Collection method: clinical testing. Allele origin: unknown.

Ambry Genetics
Classification: Uncertain significance for Cardiovascular phenotype. Last evaluated: 2020-02-24. Review status: criteria provided, single submitter. Criteria: Ambry Variant Classification Scheme 2023. Collection method: clinical testing. Allele origin: germline.
Comment: The p.H2483R variant (also known as c.7448A>G), located in coding exon 8 of the ALMS1 gene, results from an A to G substitution at nucleotide position 7448. The histidine at codon 2483 is replaced by arginine, an amino acid with highly similar properties. This amino acid position is well conserved in available vertebrate species; however, arginine is the reference amino acid in other vertebrate species. In addition, this alteration is predicted to be deleterious by in silico analysis. Since supporting evidence is limited at this time, the clinical significance of this alteration remains unclear.

Natera, Inc.
Classification: Uncertain significance for Alstrom syndrome. Last evaluated: 2020-04-28. Review status: no assertion criteria provided. Collection method: clinical testing. Allele origin: germline. Not counted in ClinVar's aggregate classification.